The following is an entry in ClinVar:

NM_198076.6(COX20):c.-39C>G

Genes: COX20 (cytochrome c oxidase assembly factor COX20; plus strand), LOC129932911 (ATAC-STARR-seq lymphoblastoid silent region 2018; plus strand). Cytogenetic location: 1q44.
Variant type: single nucleotide variant.
Coding change: c.-39C>G on transcript NM_198076.6 (MANE Select); 39 bases upstream of the start codon, C replaced by G.
Molecular consequence: 5 prime UTR variant. On other transcripts: non-coding transcript variant (3).
Genome position (GRCh38, 1-based): chr1:244,835,676, C>G. VCF-style: chr1-244835676-C-G. GRCh37 (hg19) VCF-style: chr1-244998978-C-G.
Other names: c.-39C>G (NM_001312871.1, NM_001312872.1, NM_001312873.1 and 1 more transcripts).
Identifiers: ClinVar variation 383480 (VCV000383480.1), dbSNP rs1057521643, ClinGen allele CA16603675.

ClinVar aggregate classification (germline): Likely benign (1 of 4 stars; one submission).

Submission:

GeneDx
Classification: Likely benign. Last evaluated: 2016-03-02. Review status: criteria provided, single submitter. Criteria: GeneDx Variant Classification (06012015). Collection method: clinical testing. Allele origin: germline. Affected: yes.
Comment: This variant is considered likely benign or benign based on one or more of the following criteria: it is a conservative change, it occurs at a poorly conserved position in the protein, it is predicted to be benign by multiple in silico algorithms, and/or has population frequency not consistent with disease.